The following is an entry in ClinVar:

NM_003835.4(RGS9):c.1973C>T (p.Ser658Leu)

Gene: RGS9 (regulator of G protein signaling 9; plus strand). Cytogenetic location: 17q24.1.
Variant type: single nucleotide variant.
Coding change: c.1973C>T on transcript NM_003835.4 (MANE Select); coding-DNA position 1973, C replaced by T.
Protein change: p.Ser658Leu; replaces serine 658 with leucine.
Molecular consequence: missense variant.
Genome position (GRCh38, 1-based): chr17:65,227,355, C>T. VCF-style: chr17-65227355-C-T. GRCh37 (hg19) VCF-style: chr17-63223473-C-T.
Other names: c.1964C>T, p.Ser655Leu (NM_001081955.3); short protein forms S655L, S658L.
Identifiers: ClinVar variation 964900 (VCV000964900.6), dbSNP rs375807747, ClinGen allele CA8718223.

ClinVar aggregate classification (germline): Uncertain significance. Review status: criteria provided, multiple submitters, no conflicts (2 of 4 stars). 2 submissions from 2 submitters: Uncertain significance (2). Last evaluated 2022-06-10.

Conditions:
Inborn genetic diseases. Identifiers: MedGen C0950123, MeSH D030342.

Allele frequency attached by ClinVar (database versions not stated): gnomAD exomes 0.00005; gnomAD 0.00006; TOPMed 0.00006; ExAC 0.00007; ESP Exome Variant Server 0.00008.
gnomAD v4.1: 147 of 1,613,998 alleles (0.0091%); highest among the groups gnomAD compares: Non-Finnish European, 0.011%; no homozygotes.

Submissions (2):

Ambry Genetics
Classification: Uncertain significance for Inborn genetic diseases. Last evaluated: 2022-06-10. Review status: criteria provided, single submitter. Criteria: Ambry Variant Classification Scheme 2023. Collection method: clinical testing. Allele origin: germline.

Labcorp Genetics (formerly Invitae), Labcorp
Classification: Uncertain significance. Last evaluated: 2022-04-11. Review status: criteria provided, single submitter. Criteria: Invitae Variant Classification Sherloc (09022015). Collection method: clinical testing. Allele origin: germline.
Comment: This sequence change replaces serine, which is neutral and polar, with leucine, which is neutral and non-polar, at codon 658 of the RGS9 protein (p.Ser658Leu). This variant is present in population databases (rs375807747, gnomAD 0.01%). This variant has not been reported in the literature in individuals affected with RGS9-related conditions. ClinVar contains an entry for this variant (Variation ID: 964900). Algorithms developed to predict the effect of missense changes on protein structure and function (SIFT, PolyPhen-2, Align-GVGD) all suggest that this variant is likely to be tolerated. In summary, the available evidence is currently insufficient to determine the role of this variant in disease. Therefore, it has been classified as a Variant of Uncertain Significance.